The following is an entry in ClinVar:

ClinVar aggregate classification (germline): Uncertain significance (1 of 4 stars; one submission).

Conditions:
Primary ciliary dyskinesia 33. Also called: CILIARY DYSKINESIA, PRIMARY, 33, WITHOUT SITUS INVERSUS. Identifiers: Orphanet 244, MedGen C4225230, MONDO:0014750, OMIM 616726.

Allele frequency attached by ClinVar (database versions not stated): gnomAD exomes 0.00010; ExAC 0.00029; 1000 Genomes Project 30x 0.00078; ESP Exome Variant Server 0.00008; 1000 Genomes Project 0.00080.
gnomAD v4.1: 195 of 1,609,906 alleles (0.012%); highest among the groups gnomAD compares: African/African-American, 0.14%; 2 homozygotes.

Submission:

Labcorp Genetics (formerly Invitae), Labcorp
Classification: Uncertain significance for Primary ciliary dyskinesia 33. Last evaluated: 2023-12-19. Review status: criteria provided, single submitter. Criteria: Invitae Variant Classification Sherloc (09022015). Collection method: clinical testing. Allele origin: germline.
Comment: This sequence change replaces alanine, which is neutral and non-polar, with valine, which is neutral and non-polar, at codon 471 of the GAS8 protein (p.Ala471Val). This variant is present in population databases (rs140194942, gnomAD 0.1%). This variant has not been reported in the literature in individuals affected with GAS8-related conditions. ClinVar contains an entry for this variant (Variation ID: 1509378). An algorithm developed to predict the effect of missense changes on protein structure and function (PolyPhen-2) suggests that this variant¬†is likely to be tolerated. In summary, the available evidence is currently insufficient to determine the role of this variant in disease. Therefore, it has been classified as a Variant of Uncertain Significance.

NM_001481.3(DRC4):c.1412C>T (p.Ala471Val)

Gene: DRC4 (dynein regulatory complex subunit 4; plus strand). Cytogenetic location: 16q24.3.
Variant type: single nucleotide variant.
Coding change: c.1412C>T on transcript NM_001481.3 (MANE Select); coding-DNA position 1412, C replaced by T.
Protein change: p.Ala471Val; replaces alanine 471 with valine.
Molecular consequence: missense variant. On other transcripts: non-coding transcript variant (1).
Genome position (GRCh38, 1-based): chr16:90,043,320, C>T. VCF-style: chr16-90043320-C-T. GRCh37 (hg19) VCF-style: chr16-90109728-C-T.
Other names: c.1163C>T, p.Ala388Val (NM_001286205.2); c.836C>T, p.Ala279Val (NM_001286208.2); c.1337C>T, p.Ala446Val (NM_001286209.2); short protein forms A279V, A388V, A471V, A446V.
Identifiers: ClinVar variation 1509378 (VCV001509378.6), dbSNP rs140194942, ClinGen allele CA8258263.